The following is an entry in ClinVar:

ClinVar aggregate classification (germline): Pathogenic. Review status: criteria provided, multiple submitters, no conflicts (2 of 4 stars). 2 submissions from 2 submitters: Pathogenic (2). Last evaluated 2023-01-22.

Conditions:
Hereditary cancer-predisposing syndrome. Also called: Hereditary Cancer Syndrome; Tumor predisposition; Neoplastic Syndromes, Hereditary; Hereditary neoplastic syndrome. Identifiers: Orphanet 140162, MedGen C0027672, MeSH D009386, MONDO:0015356.

Submissions (2):

Labcorp Genetics (formerly Invitae), Labcorp
Classification: Pathogenic for Hereditary cancer-predisposing syndrome. Last evaluated: 2023-01-22. Review status: criteria provided, single submitter. Criteria: Invitae Variant Classification Sherloc (09022015). Collection method: clinical testing. Allele origin: germline.
Comment: Algorithms developed to predict the effect of sequence changes on RNA splicing suggest that this variant may disrupt the consensus splice site. For these reasons, this variant has been classified as Pathogenic. ClinVar contains an entry for this variant (Variation ID: 864322). This variant has not been reported in the literature in individuals affected with RAD50-related conditions. This variant is not present in population databases (gnomAD no frequency). This sequence change creates a premature translational stop signal (p.Lys230Argfs*5) in the RAD50 gene. It is expected to result in an absent or disrupted protein product. Loss-of-function variants in RAD50 are known to be pathogenic (PMID: 19409520).

Ambry Genetics
Classification: Pathogenic for Hereditary cancer-predisposing syndrome. Last evaluated: 2022-05-20. Review status: criteria provided, single submitter. Criteria: Ambry Variant Classification Scheme 2023. Collection method: clinical testing. Allele origin: germline.
Comment: The c.689delA pathogenic mutation, located in coding exon 5 of the RAD50 gene, results from a deletion of one nucleotide at nucleotide position 689, causing a translational frameshift with a predicted alternate stop codon (p.K230Rfs*5). This alteration is expected to result in loss of function by premature protein truncation or nonsense-mediated mRNA decay. As such, this alteration is interpreted as a disease-causing mutation.

Literature cited by the submitters: PubMed 19409520 (cited by Labcorp Genetics (formerly Invitae), Labcorp).

NM_005732.4(RAD50):c.689del (p.Lys230fs)

Gene: RAD50 (RAD50 double strand break repair protein; plus strand). Cytogenetic location: 5q31.1.
Variant type: Deletion.
Coding change: c.689del on transcript NM_005732.4 (MANE Select); coding-DNA position 689, one base deleted (A; older notation c.689delA).
Protein change: p.Lys230fs; shifts the reading frame from lysine 230.
Molecular consequence: frameshift variant.
Genome position (GRCh38, 1-based): chr5:132,579,999, A deleted; the last of 2 consecutive A bases (chr5:132,579,998-132,579,999); deleting either gives the same sequence. VCF-style (leftmost placement, unchanged base first): chr5-132579997-TA-T. GRCh37 (hg19) VCF-style: chr5-131915689-TA-T.
Other names: c.689delA (NM_005732.3); short protein forms K230fs.
Identifiers: ClinVar variation 864322 (VCV000864322.10), dbSNP rs1750477011, ClinGen allele CA916082763.